The following is an entry in ClinVar:

ClinVar aggregate classification (germline): Uncertain significance (1 of 4 stars; one submission).

Conditions:
Emery-Dreifuss muscular dystrophy (EDMD). Also called: Scapuloperoneal syndrome, X-linked (formerly); Humeroperoneal neuromuscular disease, (formerly). Identifiers: Orphanet 261, MedGen C0410189, MONDO:0016830.

Allele frequency attached by ClinVar (database versions not stated): gnomAD 0.00001; ExAC 0.00002; gnomAD exomes 0.00002 and 0.00003; TOPMed 0.00002.

Submission:

Labcorp Genetics (formerly Invitae), Labcorp
Classification: Uncertain significance for Emery-Dreifuss muscular dystrophy. Last evaluated: 2021-12-29. Review status: criteria provided, single submitter. Criteria: Invitae Variant Classification Sherloc (09022015). Collection method: clinical testing. Allele origin: germline.
Comment: Algorithms developed to predict the effect of missense changes on protein structure and function (SIFT, PolyPhen-2, Align-GVGD) all suggest that this variant is likely to be tolerated. Algorithms developed to predict the effect of sequence changes on RNA splicing suggest that this variant may create or strengthen a splice site. In summary, the available evidence is currently insufficient to determine the role of this variant in disease. Therefore, it has been classified as a Variant of Uncertain Significance. This sequence change replaces methionine, which is neutral and non-polar, with isoleucine, which is neutral and non-polar, at codon 168 of the SUN2 protein (p.Met168Ile). This variant is present in population databases (rs779478954, gnomAD 0.02%). This variant has not been reported in the literature in individuals affected with SUN2-related conditions. ClinVar contains an entry for this variant (Variation ID: 942916).

NM_015374.3(SUN2):c.504G>A (p.Met168Ile)

Gene: SUN2 (Sad1 and UNC84 domain containing 2; minus strand). Cytogenetic location: 22q13.1.
Variant type: single nucleotide variant.
Coding change: c.504G>A on transcript NM_015374.3 (MANE Select); coding-DNA position 504, G replaced by A.
Protein change: p.Met168Ile; replaces methionine 168 with isoleucine.
Molecular consequence: missense variant.
Genome position (GRCh38, 1-based): chr22:38,750,241, C>T on the plus strand (G>A on the coding strand, the complement: SUN2 is on the minus strand). VCF-style: chr22-38750241-C-T. GRCh37 (hg19) VCF-style: chr22-39146246-C-T.
Other names: c.567G>A, p.Met189Ile (NM_001199579.2); c.504G>A, p.Met168Ile (NM_001199580.2); short protein forms M168I, M189I.
Identifiers: ClinVar variation 942916 (VCV000942916.9), dbSNP rs779478954, ClinGen allele CA10235908.